The following is an entry in ClinVar:

ClinVar aggregate classification (germline): Likely benign. Review status: criteria provided, multiple submitters, no conflicts (2 of 4 stars). 3 submissions from 3 submitters: Likely benign (3). Last evaluated 2026-06-22.

Conditions:
Retinoblastoma (RB1). Also called: RETINOBLASTOMA, SOMATIC. Identifiers: Orphanet 790, MedGen C0035335, MeSH D012175, MONDO:0008380, OMIM 180200, HP:0009919. Disease mechanism: loss of function. Inheritance: Both sporadic and heritable forms are tested..

Allele frequency attached by ClinVar (database versions not stated): gnomAD exomes below 0.00001 and 0.00001; ExAC 0.00001.
gnomAD v4.1: 6 of 1,613,756 alleles (0.00037%); highest among the groups gnomAD compares: Non-Finnish European, 0.00051%; no homozygotes.

Submissions (3):

Myriad Genetics, Inc.
Classification: Likely benign for Retinoblastoma. Last evaluated: 2026-06-22. Review status: criteria provided, single submitter. Criteria: Myriad Autosomal Dominant, Autosomal Recessive and X-Linked Classification Criteria (2023). Collection method: clinical testing. Allele origin: unknown.
Comment: This variant is considered likely benign. This variant is intronic and is not expected to impact mRNA splicing.

Labcorp Genetics (formerly Invitae), Labcorp
Classification: Likely benign for Retinoblastoma. Last evaluated: 2025-08-30. Review status: criteria provided, single submitter. Criteria: Invitae Variant Classification Sherloc (09022015). Collection method: clinical testing. Allele origin: germline.

GeneDx
Classification: Likely benign. Last evaluated: 2017-02-03. Review status: criteria provided, single submitter. Criteria: GeneDx Variant Classification (06012015). Collection method: clinical testing. Allele origin: germline. Affected: yes.
Comment: This variant is considered likely benign or benign based on one or more of the following criteria: it is a conservative change, it occurs at a poorly conserved position in the protein, it is predicted to be benign by multiple in silico algorithms, and/or has population frequency not consistent with disease.

NM_000321.3(RB1):c.2325+10A>G

Gene: RB1 (RB transcriptional corepressor 1; plus strand). Cytogenetic location: 13q14.2.
Variant type: single nucleotide variant.
Coding change: c.2325+10A>G on transcript NM_000321.3 (MANE Select); 10 bases into the intron after coding-DNA position 2325, A replaced by G.
Molecular consequence: intron variant.
Genome position (GRCh38, 1-based): chr13:48,465,121, A>G. VCF-style: chr13-48465121-A-G. GRCh37 (hg19) VCF-style: chr13-49039257-A-G.
Identifiers: ClinVar variation 458144 (VCV000458144.9), dbSNP rs763525092, ClinGen allele CA035176.